The following is an entry in ClinVar:

ClinVar aggregate classification (germline): Uncertain significance (1 of 4 stars; one submission).

Submission:

Labcorp Genetics (formerly Invitae), Labcorp
Classification: Uncertain significance. Last evaluated: 2024-07-17. Review status: criteria provided, single submitter. Criteria: Invitae Variant Classification Sherloc (09022015). Collection method: clinical testing. Allele origin: germline.
Comment: This sequence change replaces serine, which is neutral and polar, with proline, which is neutral and non-polar, at codon 2774 of the SPEG protein (p.Ser2774Pro). This variant is not present in population databases (gnomAD no frequency). This variant has not been reported in the literature in individuals affected with SPEG-related conditions. ClinVar contains an entry for this variant (Variation ID: 2074169). An algorithm developed to predict the effect of missense changes on protein structure and function (PolyPhen-2) suggests that this variant is likely to be tolerated. In summary, the available evidence is currently insufficient to determine the role of this variant in disease. Therefore, it has been classified as a Variant of Uncertain Significance.

NM_005876.5(SPEG):c.8320T>C (p.Ser2774Pro)

Genes: ASIC4-AS1 (ASIC4 antisense RNA 1; minus strand), SPEG (striated muscle enriched protein kinase; plus strand). Cytogenetic location: 2q35.
Variant type: single nucleotide variant.
Coding change: c.8320T>C on transcript NM_005876.5 (MANE Select); coding-DNA position 8320, T replaced by C.
Protein change: p.Ser2774Pro; replaces serine 2774 with proline.
Molecular consequence: missense variant.
Genome position (GRCh38, 1-based): chr2:219,489,338, T>C. VCF-style: chr2-219489338-T-C. GRCh37 (hg19) VCF-style: chr2-220354060-T-C.
Other names: short protein forms S2774P.
Identifiers: ClinVar variation 2074169 (VCV002074169.4), dbSNP rs2546006931, ClinGen allele CA350708890.